The following is an entry in ClinVar:

ClinVar aggregate classification (germline): Uncertain significance. Review status: criteria provided, multiple submitters, no conflicts (2 of 4 stars). 2 submissions from 2 submitters: Uncertain significance (2). Last evaluated 2025-09-11.

Conditions:
Inborn genetic diseases. Identifiers: MedGen C0950123, MeSH D030342.

Submissions (2):

Ambry Genetics
Classification: Uncertain significance for Inborn genetic diseases. Last evaluated: 2025-09-11. Review status: criteria provided, single submitter. Criteria: Ambry Variant Classification Scheme 2023. Collection method: clinical testing. Allele origin: germline.

Labcorp Genetics (formerly Invitae), Labcorp
Classification: Uncertain significance. Last evaluated: 2024-03-26. Review status: criteria provided, single submitter. Criteria: Invitae Variant Classification Sherloc (09022015). Collection method: clinical testing. Allele origin: germline.
Comment: This sequence change replaces arginine, which is basic and polar, with cysteine, which is neutral and slightly polar, at codon 92 of the MATN3 protein (p.Arg92Cys). This variant is present in population databases (rs745797682, gnomAD 0.009%). This variant has not been reported in the literature in individuals affected with MATN3-related conditions. Advanced modeling of protein sequence and biophysical properties (such as structural, functional, and spatial information, amino acid conservation, physicochemical variation, residue mobility, and thermodynamic stability) performed at Invitae indicates that this missense variant is expected to disrupt MATN3 protein function with a positive predictive value of 80%. In summary, the available evidence is currently insufficient to determine the role of this variant in disease. Therefore, it has been classified as a Variant of Uncertain Significance.

NM_002381.5(MATN3):c.274C>T (p.Arg92Cys)

Gene: MATN3 (matrilin 3; minus strand). Cytogenetic location: 2p24.1.
Variant type: single nucleotide variant.
Coding change: c.274C>T on transcript NM_002381.5 (MANE Select); coding-DNA position 274, C replaced by T.
Protein change: p.Arg92Cys; replaces arginine 92 with cysteine.
Molecular consequence: missense variant.
Genome position (GRCh38, 1-based): chr2:20,006,260, G>A on the plus strand (C>T on the coding strand, the complement: MATN3 is on the minus strand). VCF-style: chr2-20006260-G-A. GRCh37 (hg19) VCF-style: chr2-20206021-G-A.
Other names: c.274C>T (NM_002381.4); short protein forms R92C.
Identifiers: ClinVar variation 3618145 (VCV003618145.3).